The following is an entry in ClinVar:

ClinVar aggregate classification (germline): Likely pathogenic (1 of 4 stars; one submission).

Submission:

GeneDx
Classification: Likely pathogenic. Last evaluated: 2023-11-16. Review status: criteria provided, single submitter. Criteria: GeneDx Variant Classification Process June 2021. Collection method: clinical testing. Allele origin: germline. Affected: yes.
Comment: Not observed at significant frequency in large population cohorts (gnomAD); Canonical splice site variant predicted to result in an in-frame loss of the adjacent exon in a gene for which loss of function is a known mechanism of disease; This variant is associated with the following publications: (PMID: 30998820)

NM_000440.3(PDE6A):c.1474-1G>A

Gene: PDE6A (phosphodiesterase 6A; minus strand). Cytogenetic location: 5q32.
Variant type: single nucleotide variant.
Coding change: c.1474-1G>A on transcript NM_000440.3 (MANE Select); the canonical splice acceptor site of the intron before coding-DNA position 1474, G replaced by A.
Molecular consequence: splice acceptor variant.
Genome position (GRCh38, 1-based): chr5:149,896,503, C>T on the plus strand (G>A on the coding strand, the complement: PDE6A is on the minus strand). VCF-style: chr5-149896503-C-T. GRCh37 (hg19) VCF-style: chr5-149276066-C-T.
Other names: c.1231-1G>A (NM_001410788.1).
Identifiers: ClinVar variation 3340781 (VCV003340781.1).